The following is an entry in ClinVar:

ClinVar aggregate classification (germline): Uncertain significance (1 of 4 stars; one submission).

Allele frequency attached by ClinVar (database versions not stated): gnomAD exomes 0.00001 and 0.00004; TOPMed 0.00002; ExAC 0.00003; gnomAD 0.00003 and 0.00005; 1000 Genomes Project 30x 0.00047; 1000 Genomes Project 0.00060.
gnomAD v4.1: 19 of 1,614,032 alleles (0.0012%); highest among the groups gnomAD compares: East Asian, 0.027%; no homozygotes.

Submission:

Labcorp Genetics (formerly Invitae), Labcorp
Classification: Uncertain significance. Last evaluated: 2025-09-23. Review status: criteria provided, single submitter. Criteria: Invitae Variant Classification Sherloc (09022015). Collection method: clinical testing. Allele origin: germline.
Comment: This sequence change replaces lysine, which is basic and polar, with glutamic acid, which is acidic and polar, at codon 74 of the DNAJC17 protein (p.Lys74Glu). This variant is present in population databases (rs377051762, gnomAD 0.05%). This variant has not been reported in the literature in individuals affected with DNAJC17-related conditions. ClinVar contains an entry for this variant (Variation ID: 1371849). An algorithm developed to predict the effect of missense changes on protein structure and function (PolyPhen-2) suggests that this variant is likely to be disruptive. In summary, the available evidence is currently insufficient to determine the role of this variant in disease. Therefore, it has been classified as a Variant of Uncertain Significance.

NM_018163.3(DNAJC17):c.220A>G (p.Lys74Glu)

Gene: DNAJC17 (DnaJ heat shock protein family (Hsp40) member C17; minus strand). Cytogenetic location: 15q15.1.
Variant type: single nucleotide variant.
Coding change: c.220A>G on transcript NM_018163.3 (MANE Select); coding-DNA position 220, A replaced by G.
Protein change: p.Lys74Glu; replaces lysine 74 with glutamic acid.
Molecular consequence: missense variant.
Genome position (GRCh38, 1-based): chr15:40,779,298, T>C on the plus strand (A>G on the coding strand, the complement: DNAJC17 is on the minus strand). VCF-style: chr15-40779298-T-C. GRCh37 (hg19) VCF-style: chr15-41071496-T-C.
Other names: short protein forms K74E.
Identifiers: ClinVar variation 1371849 (VCV001371849.6), dbSNP rs377051762, ClinGen allele CA7485251.